The following is an entry in ClinVar:

ClinVar aggregate classification (germline): Benign. Review status: criteria provided, multiple submitters, no conflicts (2 of 4 stars). 2 submissions from 2 submitters: Benign (2). Last evaluated 2026-02-02.

Conditions:
Developmental and epileptic encephalopathy, 25 (DEE25). Also called: Developmental and epileptic encephalopathy 25, with amelogenesis imperfecta; Epileptic encephalopathy, early infantile, 25, with amelogenesis imperfecta; Epileptic encephalopathy, early infantile, 25. Identifiers: Orphanet 442835, MedGen C4014621, MONDO:0014392, OMIM 615905.

Allele frequency attached by ClinVar (database versions not stated): TOPMed 0.02278; ExAC 0.00642; gnomAD 0.01995 and 0.02122; 1000 Genomes Project 0.02236; ESP Exome Variant Server 0.02268.
gnomAD v4.1: 6,131 of 1,606,854 alleles (0.38%); highest among the groups gnomAD compares: African/African-American, 7.1%; 191 homozygotes.

Submissions (2):

Labcorp Genetics (formerly Invitae), Labcorp
Classification: Benign for Developmental and epileptic encephalopathy, 25. Last evaluated: 2026-02-02. Review status: criteria provided, single submitter. Criteria: Invitae Variant Classification Sherloc (09022015). Collection method: clinical testing. Allele origin: germline.

GeneDx
Classification: Benign. Last evaluated: 2016-02-01. Review status: criteria provided, single submitter. Criteria: GeneDx Variant Classification (06012015). Collection method: clinical testing. Allele origin: germline. Affected: yes.
Comment: This variant is considered likely benign or benign based on one or more of the following criteria: it is a conservative change, it occurs at a poorly conserved position in the protein, it is predicted to be benign by multiple in silico algorithms, and/or has population frequency not consistent with disease.

NM_177550.5(SLC13A5):c.716+11G>C

Gene: SLC13A5 (solute carrier family 13 member 5; minus strand). Cytogenetic location: 17p13.1.
Variant type: single nucleotide variant.
Coding change: c.716+11G>C on transcript NM_177550.5 (MANE Select); 11 bases into the intron after coding-DNA position 716, G replaced by C.
Molecular consequence: intron variant.
Genome position (GRCh38, 1-based): chr17:6,702,959, C>G on the plus strand (G>C on the coding strand, the complement: SLC13A5 is on the minus strand). VCF-style: chr17-6702959-C-G. GRCh37 (hg19) VCF-style: chr17-6606278-C-G.
Other names: c.587+11G>C (NM_001284510.2); c.665+11G>C (NM_001284509.2); c.716+11G>C (NM_001143838.3).
Identifiers: ClinVar variation 380936 (VCV000380936.9), dbSNP rs7215596, ClinGen allele CA8331635.